The following is an entry in ClinVar:

NM_000545.8(HNF1A):c.79A>C (p.Ile27Leu)

Gene: HNF1A (HNF1 homeobox A; plus strand). Cytogenetic location: 12q24.31.
Variant type: single nucleotide variant.
Coding change: c.79A>C on transcript NM_000545.8 (MANE Select); coding-DNA position 79, A replaced by C.
Protein change: p.Ile27Leu; replaces isoleucine 27 with leucine.
Molecular consequence: missense variant.
Genome position (GRCh38, 1-based): chr12:120,978,847, A>C. VCF-style: chr12-120978847-A-C. GRCh37 (hg19) VCF-style: chr12-121416650-A-C.
Other names: p.I27L:ATC>CTC; c.79A>C, p.Ile27Leu (NM_001306179.2); short protein forms I27L.
Identifiers: ClinVar variation 14937 (VCV000014937.37), dbSNP rs1169288, ClinGen allele CA124469.
Genomic context (GRCh38, chr12:120,978,847, plus strand): 5'-CAGCTGCAGACGGAGCTCCTGGCGGCCCTGCTCGAGTCAGGGCTGAGCAAAGAGGCACTG[A>C]TCCAGGCACTGGGTGAGCCGGGGCCCTACCTCCTGGCTGGAGAAGGCCCCCTGGACAAGG-3'
Protein context (NP_000536.6, residues 17-37): LESGLSKEAL[Ile27Leu]QALGEPGPYL

ClinVar aggregate classification (germline): Benign/Likely benign. Review status: criteria provided, multiple submitters, no conflicts (2 of 4 stars). 21 submissions from 18 submitters: Benign (15); Likely benign (1). 5 of the submissions do not count toward it. Last evaluated 2026-02-04.

Conditions:
Maturity-onset diabetes of the young (MODY). Also called: Maturity onset diabetes mellitus in young. Identifiers: Orphanet 552, MedGen C0342276, MONDO:0018911, HP:0004904.
Nonpapillary renal cell carcinoma. Identifiers: Orphanet 422526, MedGen CN074294, MONDO:0007763, OMIM 144700.
Maturity-onset diabetes of the young type 3. Also called: MODY, type III; MODY type 3. Identifiers: Orphanet 552, MedGen C1838100, MeSH C563933, MONDO:0010894, OMIM 600496. Disease mechanism: loss of function.
SERUM HDL CHOLESTEROL LEVEL, MODIFIER OF.
Insulin resistance, susceptibility to. Identifiers: MedGen C1852091.
Type 2 diabetes mellitus. Also called: Type II diabetes mellitus. Identifiers: MedGen C0011860, MeSH D003924, MONDO:0005148, OMIM 125853, HP:0005978.

Allele frequency attached by ClinVar (database versions not stated): 1000 Genomes Project 30x 0.29154; gnomAD exomes 0.33315 and 0.35489; 1000 Genomes Project 0.29852; TOPMed 0.27381; ExAC 0.35329.
gnomAD v4.1: 531,028 of 1,612,800 alleles (33%); highest among the groups gnomAD compares: Middle Eastern, 49%; 91,048 homozygotes.

Submissions (21):

Labcorp Genetics (formerly Invitae), Labcorp
Classification: Benign. Last evaluated: 2026-02-04. Review status: criteria provided, single submitter. Criteria: Invitae Variant Classification Sherloc (09022015). Collection method: clinical testing. Allele origin: germline.

Laboratory of Genetics, Children's Clinical University Hospital Latvia
Classification: Likely benign. Last evaluated: 2025-02-16. Review status: criteria provided, single submitter. Criteria: ACMG Guidelines, 2015. Collection method: clinical testing. Allele origin: germline. Affected: yes.

KCCC/NGS Laboratory, Kuwait Cancer Control Center
Classification: Benign for Maturity-onset diabetes of the young type 3. Last evaluated: 2025-02-01. Review status: criteria provided, single submitter. Criteria: ACMG Guidelines, 2015. Collection method: clinical testing. Allele origin: germline. Affected: no.

Blueprint Genetics
Classification: Benign. Last evaluated: 2024-11-27. Review status: criteria provided, single submitter. Criteria: ACMG Guidelines, 2015. Collection method: clinical testing. Allele origin: germline.

Molecular Genetics, Royal Melbourne Hospital
Classification: Benign for Maturity-onset diabetes of the young type 3. Last evaluated: 2024-03-01. Review status: criteria provided, single submitter. Criteria: ACMG Guidelines, 2015. Collection method: clinical testing. Allele origin: germline. Inheritance: Autosomal dominant inheritance.

KCCC/NGS Laboratory, Kuwait Cancer Control Center
Classification: Benign for Nonpapillary renal cell carcinoma. Last evaluated: 2023-07-07. Review status: criteria provided, single submitter. Criteria: ACMG Guidelines, 2015. Collection method: clinical testing. Allele origin: germline. Affected: yes.

Genome-Nilou Lab
Classification: Benign for Maturity-onset diabetes of the young type 3. Last evaluated: 2021-08-10. Review status: criteria provided, single submitter. Criteria: ACMG Guidelines, 2015. Collection method: clinical testing. Allele origin: germline. Affected: no.

Mendelics
Classification: Benign for Maturity-onset diabetes of the young type 3. Last evaluated: 2019-05-28. Review status: criteria provided, single submitter. Criteria: Mendelics Assertion Criteria 2017. Collection method: clinical testing. Allele origin: unknown.

Illumina Laboratory Services, Illumina
Classification: Benign for Maturity-onset diabetes of the young type 3. Last evaluated: 2018-03-06. Review status: criteria provided, single submitter. Criteria: ICSL Variant Classification Criteria 13 December 2019. Collection method: clinical testing. Allele origin: germline.
Comment: This variant was observed in the ICSL laboratory as part of a predisposition screen in an ostensibly healthy population. It had not been previously curated by ICSL or reported in the Human Gene Mutation Database (HGMD: prior to June 1st, 2018), and was therefore a candidate for classification through an automated scoring system. Utilizing variant allele frequency, disease prevalence and penetrance estimates, and inheritance mode, an automated score was calculated to assess if this variant is too frequent to cause the disease. Based on the score and internal cut-off values, a variant classified as benign is not then subjected to further curation. The score for this variant resulted in a classification of benign for this disease.

Athena Diagnostics
Classification: Benign. Last evaluated: 2017-07-12. Review status: criteria provided, single submitter. Criteria: Athena Diagnostics Criteria. Collection method: clinical testing. Allele origin: germline.

Ambry Genetics
Classification: Benign for Maturity-onset diabetes of the young. Last evaluated: 2015-08-19. Review status: criteria provided, single submitter. Criteria: Ambry Variant Classification Scheme 2023. Collection method: clinical testing. Allele origin: germline.

Eurofins Ntd Llc (ga)
Classification: Benign. Last evaluated: 2014-11-18. Review status: criteria provided, single submitter. Criteria: EGL Classification Definitions 2015. Collection method: clinical testing. Allele origin: germline. Observed: 1 variant allele, 1 heterozygote.

GeneDx
Classification: Benign. Last evaluated: 2013-08-21. Review status: criteria provided, single submitter. Criteria: GeneDx Variant Classification (06012015). Collection method: clinical testing. Allele origin: germline. Affected: yes.
Comment: This variant is considered likely benign or benign based on one or more of the following criteria: it is a conservative change, it occurs at a poorly conserved position in the protein, it is predicted to be benign by multiple in silico algorithms, and/or has population frequency not consistent with disease.

Breakthrough Genomics
Classification: Benign. Review status: criteria provided, single submitter. Criteria: ACMG Guidelines, 2015. Collection method: not provided. Allele origin: germline. Inheritance: Autosomal dominant inheritance. Affected: yes.

Clinical Genomics, Uppaluri K&H Personalized Medicine Clinic
Classification: Benign for Type 2 diabetes mellitus. Review status: criteria provided, single submitter. Criteria: K&H Uppaluri Personalized Medicine Clinic Variant Classification & Assertion Criteria. Collection method: research. Allele origin: somatic. Inheritance: Autosomal dominant inheritance. Affected: yes.
Comment: Mutations in HNF1A gene can predispose to MODY3. It is associated with both micro and macrovascular complications of diabetes, especially cardiovascular complications. Associated with glucosuria and response to sulfonylureas.However, evidence shows association of rs1169288 with T2DM and further clinical validation is required in MODY cases.

PreventionGenetics, part of Exact Sciences
Classification: Benign. Review status: criteria provided, single submitter. Criteria: ACMG Guidelines, 2015. Collection method: clinical testing. Allele origin: germline.

ITMI
No classification provided. Condition: AllHighlyPenetrant. Last evaluated: 2013-09-19. Review status: no classification provided. Collection method: reference population. Allele origin: germline. Not counted in ClinVar's aggregate classification.
Comment: Please see associated publication for description of ethnicities

OMIM
Classification: risk factor for INSULIN RESISTANCE, SUSCEPTIBILITY TO. Last evaluated: 2003-06-01. Review status: no assertion criteria provided. Collection method: literature only. Allele origin: germline. Not counted in ClinVar's aggregate classification.

OMIM
Classification: risk factor for SERUM HDL CHOLESTEROL LEVEL, MODIFIER OF. Last evaluated: 2003-06-01. Review status: no assertion criteria provided. Collection method: literature only. Allele origin: germline. Not counted in ClinVar's aggregate classification.

Genetic Services Laboratory, University of Chicago
Classification: Likely benign for AllHighlyPenetrant. Review status: no assertion criteria provided. Collection method: clinical testing. Allele origin: germline. Inheritance: Autosomal dominant inheritance. Not counted in ClinVar's aggregate classification.
Comment: Likely benign based on allele frequency in 1000 Genomes Project or ESP global frequency and its presence in a patient with a rare or unrelated disease phenotype. NOT Sanger confirmed.

Clinical Genomics, Uppaluri K&H Personalized Medicine Clinic
Classification: Likely pathogenic for Maturity-onset diabetes of the young type 3. Review status: flagged submission. Criteria: K & H Uppaluri Personalized Medicine Clinic Variant Classification & Assertion Criteria_Updated V.1. Collection method: research. Allele origin: unknown. Inheritance: Autosomal dominant inheritance. Not counted in ClinVar's aggregate classification.
Comment: Mutations in HNF1A gene can predispose to MODY3. It is associated with both micro and macrovascular complications of diabetes, especially cardiovascular complications. Associated with glucosuria. May respond well to sulfonylureas. Sufficient evidence is found to confer the association of this particular variant rs1169288 with MODY3. This variant is found to be a potent moderate impact variant with a CADD score of 22.4 and sufficient scientific evidence to support the reported classification. Though this is seen to be a tolerated variant as per other insilico scores, this is reported more frequently in MODY cases as per recent evidence.
ClinVar note: Reason: Outlier claim with insufficient supporting evidence

Literature cited by the submitters: PubMed 10333057 (cited by Athena Diagnostics); PubMed 10588527 (cited by Athena Diagnostics); PubMed 10634407 (cited by Athena Diagnostics); PubMed 10852449 (cited by 3 submitters); PubMed 12627330 (cited by Athena Diagnostics); PubMed 12675668 (cited by Athena Diagnostics); PubMed 15031772 (cited by Athena Diagnostics); PubMed 15761192 (cited by Athena Diagnostics); PubMed 15928245 (cited by Athena Diagnostics); PubMed 16963153 (cited by Athena Diagnostics); PubMed 17033837 (cited by Athena Diagnostics); PubMed 17192490 (cited by Athena Diagnostics); PubMed 17407072 (cited by Athena Diagnostics); PubMed 17425917 (cited by Athena Diagnostics); PubMed 17440016 (cited by Athena Diagnostics); PubMed 17573900 (cited by Athena Diagnostics); PubMed 17937063 (cited by Athena Diagnostics); PubMed 18332101 (cited by Athena Diagnostics); PubMed 18498634 (cited by Athena Diagnostics); PubMed 18811724 (cited by Athena Diagnostics); PubMed 8945470 (cited by Athena Diagnostics); PubMed 9112026 (cited by Athena Diagnostics); PubMed 9287053 (cited by Athena Diagnostics); PubMed 9604876 (cited by Athena Diagnostics); PubMed 20031592 (cited by Ambry Genetics); PubMed 24933231 (cited by Ambry Genetics); PubMed 35328643 (cited by Clinical Genomics, Uppaluri K&H Personalized Medicine Clinic); PubMed 24728327 (cited by ITMI); PubMed 12788852 (cited by OMIM); PubMed 31109344 (cited by Clinical Genomics, Uppaluri K&H Personalized Medicine Clinic); PubMed 33363396 (cited by Clinical Genomics, Uppaluri K&H Personalized Medicine Clinic); PubMed 27130141 (cited by Clinical Genomics, Uppaluri K&H Personalized Medicine Clinic); PubMed 29895593 (cited by Clinical Genomics, Uppaluri K&H Personalized Medicine Clinic).